The following is an entry in ClinVar:

ClinVar aggregate classification (germline): Benign (1 of 4 stars; one submission).

Conditions:
Oligodontia-cancer predisposition syndrome. Also called: TOOTH AGENESIS-COLORECTAL CANCER SYNDROME. Identifiers: Orphanet 300576, MedGen C1837750, MONDO:0012075, OMIM 608615. Disease mechanism: loss of function.

Submission:

Myriad Genetics, Inc.
Classification: Benign for Oligodontia-cancer predisposition syndrome. Last evaluated: 2024-07-11. Review status: criteria provided, single submitter. Criteria: Myriad Autosomal Dominant, Autosomal Recessive and X-Linked Classification Criteria (2023). Collection method: clinical testing. Allele origin: unknown.
Comment: This variant is considered benign. This variant is a silent/synonymous amino acid change and it is not expected to impact splicing.

NM_004655.4(AXIN2):c.2531G>A (p.Ter844=)

Gene: AXIN2 (axin 2; minus strand). Cytogenetic location: 17q24.1.
Variant type: single nucleotide variant.
Coding change: c.2531G>A on transcript NM_004655.4 (MANE Select); coding-DNA position 2531, G replaced by A.
Protein change: p.Ter844=.
Molecular consequence: synonymous variant.
Genome position (GRCh38, 1-based): chr17:65,529,977, C>T on the plus strand (G>A on the coding strand, the complement: AXIN2 is on the minus strand). VCF-style: chr17-65529977-C-T. GRCh37 (hg19) VCF-style: chr17-63526095-C-T.
Other names: c.2336G>A, p.Ter779= (NM_001363813.1).
Identifiers: ClinVar variation 3379025 (VCV003379025.1).